The following is an entry in ClinVar:

NM_001854.4(COL11A1):c.4471C>A (p.Pro1491Thr)

Gene: COL11A1 (collagen type XI alpha 1 chain; minus strand). Cytogenetic location: 1p21.1.
Variant type: single nucleotide variant.
Coding change: c.4471C>A on transcript NM_001854.4 (MANE Select); coding-DNA position 4471, C replaced by A.
Protein change: p.Pro1491Thr; replaces proline 1491 with threonine.
Molecular consequence: missense variant. On other transcripts: non-coding transcript variant (1).
Genome position (GRCh38, 1-based): chr1:102,888,913, G>T on the plus strand (C>A on the coding strand, the complement: COL11A1 is on the minus strand). VCF-style: chr1-102888913-G-T. GRCh37 (hg19) VCF-style: chr1-103354469-G-T.
Other names: c.4123C>A, p.Pro1375Thr (NM_001168249.1, NM_080630.4); c.4354C>A, p.Pro1452Thr (NM_001190709.2); c.4507C>A, p.Pro1503Thr (NM_080629.3); short protein forms P1491T, P1452T, P1375T, P1503T.
Identifiers: ClinVar variation 2854406 (VCV002854406.3), dbSNP rs762071331, ClinGen allele CA973511.

ClinVar aggregate classification (germline): Uncertain significance (1 of 4 stars; one submission).

Allele frequency attached by ClinVar (database versions not stated): ExAC 0.00002.
gnomAD v4.1: 3 of 1,611,858 alleles (0.00019%); highest among the groups gnomAD compares: Non-Finnish European, 0.00025%; no homozygotes.

Submission:

Labcorp Genetics (formerly Invitae), Labcorp
Classification: Uncertain significance. Last evaluated: 2023-04-09. Review status: criteria provided, single submitter. Criteria: Invitae Variant Classification Sherloc (09022015). Collection method: clinical testing. Allele origin: germline.
Comment: In summary, the available evidence is currently insufficient to determine the role of this variant in disease. Therefore, it has been classified as a Variant of Uncertain Significance. Advanced modeling of protein sequence and biophysical properties (such as structural, functional, and spatial information, amino acid conservation, physicochemical variation, residue mobility, and thermodynamic stability) performed at Invitae indicates that this missense variant is not expected to disrupt COL11A1 protein function. This variant has not been reported in the literature in individuals affected with COL11A1-related conditions. This variant is present in population databases (rs762071331, gnomAD 0.002%). This sequence change replaces proline, which is neutral and non-polar, with threonine, which is neutral and polar, at codon 1491 of the COL11A1 protein (p.Pro1491Thr).